The following is an entry in ClinVar:

ClinVar aggregate classification (germline): Uncertain significance (1 of 4 stars; one submission).

Conditions:
Bethlem myopathy 1A. Also called: Bethlem Muscular Dystrophy; MYOPATHY, BENIGN CONGENITAL, WITH CONTRACTURES; Bethlem myopathy 1. Identifiers: Orphanet 610, MedGen CN029274, MONDO:0024530, OMIM 158810.

Allele frequency attached by ClinVar (database versions not stated): gnomAD 0.00001 and 0.00002; gnomAD exomes 0.00002 and 0.00008; TOPMed 0.00004; ExAC 0.00016.
gnomAD v4.1: 27 of 1,613,302 alleles (0.0017%); highest among the groups gnomAD compares: Admixed American, 0.04%; no homozygotes.

Submission:

Labcorp Genetics (formerly Invitae), Labcorp
Classification: Uncertain significance for Bethlem myopathy 1A. Last evaluated: 2026-01-19. Review status: criteria provided, single submitter. Criteria: Invitae Variant Classification Sherloc (09022015). Collection method: clinical testing. Allele origin: germline.
Comment: This sequence change falls in intron 25 of the COL6A3 gene. It does not directly change the encoded amino acid sequence of the COL6A3 protein. It affects a nucleotide within the consensus splice site. This variant is present in population databases (rs757686067, gnomAD 0.04%). This variant has not been reported in the literature in individuals affected with COL6A3-related conditions. ClinVar contains an entry for this variant (Variation ID: 1044724). Variants that disrupt the consensus splice site are a relatively common cause of aberrant splicing (PMID: 17576681, 9536098). Algorithms developed to predict the effect of sequence changes on RNA splicing suggest that this variant is not likely to affect RNA splicing. In summary, the available evidence is currently insufficient to determine the role of this variant in disease. Therefore, it has been classified as a Variant of Uncertain Significance.

Literature cited by the submitters: PubMed 17576681; PubMed 9536098.

NM_004369.4(COL6A3):c.6691-3C>T

Gene: COL6A3 (collagen type VI alpha 3 chain; minus strand). Cytogenetic location: 2q37.3.
Variant type: single nucleotide variant.
Coding change: c.6691-3C>T on transcript NM_004369.4 (MANE Select); 3 bases into the intron before coding-DNA position 6691, C replaced by T.
Molecular consequence: intron variant.
Genome position (GRCh38, 1-based): chr2:237,352,587, G>A on the plus strand (C>T on the coding strand, the complement: COL6A3 is on the minus strand). VCF-style: chr2-237352587-G-A. GRCh37 (hg19) VCF-style: chr2-238261230-G-A.
Other names: c.4870-3C>T (NM_057166.5); c.6073-3C>T (NM_057167.4).
Identifiers: ClinVar variation 1044724 (VCV001044724.7), dbSNP rs757686067, ClinGen allele CA2188121.